The following is an entry in ClinVar:

NM_005159.5(ACTC1):c.328G>A (p.Ala110Thr)

Genes: ACTC1 (actin alpha cardiac muscle 1; minus strand), GJD2-DT (GJD2 divergent transcript; plus strand). Cytogenetic location: 15q14.
Variant type: single nucleotide variant.
Coding change: c.328G>A on transcript NM_005159.5 (MANE Select); coding-DNA position 328, G replaced by A.
Protein change: p.Ala110Thr; replaces alanine 110 with threonine.
Molecular consequence: missense variant.
Genome position (GRCh38, 1-based): chr15:34,793,371, C>T on the plus strand (G>A on the coding strand, the complement: ACTC1 is on the minus strand). VCF-style: chr15-34793371-C-T. GRCh37 (hg19) VCF-style: chr15-35085572-C-T.
Other names: c.328G>A (LRG_388t1); short protein forms A110T.
Identifiers: ClinVar variation 389657 (VCV000389657.3), dbSNP rs1057523500, ClinGen allele CA16607773.
Genomic context (GRCh38, chr15:34,793,371, plus strand): 5'-TGAAGGTCTCAAACATGATCTGAGTCATCTTCTCCCGGTTGGCCTTGGGGTTCAGCGGGG[C>T]CTCTGTGAGCAGGGTGGGGTGCTCCTCGGGAGCCACACGGAGCTCATTGTAGAAGGTGTG-3'
Protein context (NP_005150.1, residues 100-120): PEEHPTLLTE[Ala110Thr]PLNPKANREK

ClinVar aggregate classification (germline): Uncertain significance (1 of 4 stars; one submission).

Submission:

GeneDx
Classification: Uncertain significance. Last evaluated: 2023-02-13. Review status: criteria provided, single submitter. Criteria: GeneDx Variant Classification Process June 2021. Collection method: clinical testing. Allele origin: germline. Affected: yes.
Comment: Not observed at significant frequency in large population cohorts (gnomAD); In silico analysis supports that this missense variant has a deleterious effect on protein structure/function; This variant is associated with the following publications: (PMID: 31568572)